The following is an entry in ClinVar:

ClinVar aggregate classification (germline): Uncertain significance (1 of 4 stars; one submission).

gnomAD v4.1: 10 of 1,608,364 alleles (0.00062%); highest among the groups gnomAD compares: South Asian, 0.0099%; no homozygotes.

Submission:

CeGaT Center for Human Genetics Tuebingen
Classification: Uncertain significance. Last evaluated: 2024-11-01. Review status: criteria provided, single submitter. Criteria: CeGaT Center For Human Genetics Tuebingen Variant Classification Criteria Version 2. Collection method: clinical testing. Allele origin: germline. Affected: yes. Observed: 1 variant allele.
Comment: PKD1: PM2:Supporting, BP4

NM_001009944.3(PKD1):c.2829C>T (p.Ala943=)

Gene: PKD1 (polycystin 1, transient receptor potential channel interacting; minus strand). Cytogenetic location: 16p13.3.
Variant type: single nucleotide variant.
Coding change: c.2829C>T on transcript NM_001009944.3 (MANE Select); coding-DNA position 2829, C replaced by T.
Protein change: p.Ala943=; no amino-acid change (alanine 943 retained).
Molecular consequence: synonymous variant.
Genome position (GRCh38, 1-based): chr16:2,114,194, G>A on the plus strand (C>T on the coding strand, the complement: PKD1 is on the minus strand). VCF-style: chr16-2114194-G-A. GRCh37 (hg19) VCF-style: chr16-2164195-G-A.
Other names: c.2829C>T, p.Ala943= (NM_000296.4).
Identifiers: ClinVar variation 3388652 (VCV003388652.14).
Genomic context (GRCh38, chr16:2,114,194, plus strand): 5'-CCTGGGGGCTGGTGGTGGAGCCTCGGCCATACTCACCACTAGGACTCCCTGCAGTACACG[G>A]GCCTCGGGGCTGGGCGTGGCGCGGAGGCCACAGATGGGCTCCTCCGCCGTCACCCGCAGG-3'
Protein context (NP_001009944.3, residues 933-953): CGLRATPSPE[Ala943=]RVLQGVLVRY